The following is an entry in ClinVar:

NM_005055.5(RAPSN):c.902C>T (p.Ala301Val)

Gene: RAPSN (receptor associated protein of the synapse; minus strand). Cytogenetic location: 11p11.2.
Variant type: single nucleotide variant.
Coding change: c.902C>T on transcript NM_005055.5 (MANE Select); coding-DNA position 902, C replaced by T.
Protein change: p.Ala301Val; replaces alanine 301 with valine.
Molecular consequence: missense variant. On other transcripts: intron variant (1).
Genome position (GRCh38, 1-based): chr11:47,441,621, G>A on the plus strand (C>T on the coding strand, the complement: RAPSN is on the minus strand). VCF-style: chr11-47441621-G-A. GRCh37 (hg19) VCF-style: chr11-47463173-G-A.
Other names: c.902C>T (NM_005055.4); c.789+202C>T (NM_032645.5); short protein forms A301V.
Identifiers: ClinVar variation 2042343 (VCV002042343.6), dbSNP rs778113748, ClinGen allele CA5976595.

ClinVar aggregate classification (germline): Uncertain significance. Review status: criteria provided, multiple submitters, no conflicts (2 of 4 stars). 4 submissions from 4 submitters: Uncertain significance (3). 1 of the submissions does not count toward it. Last evaluated 2024-02-28.

Conditions:
RAPSN-related disorder. Also called: RAPSN-related condition; RAPSN-related disorders. Identifiers: MedGen CN239397.
Inborn genetic diseases. Identifiers: MedGen C0950123, MeSH D030342.
Congenital myasthenic syndrome 11. Also called: MYASTHENIC SYNDROME, CONGENITAL, Ie; Myasthenic syndrome, congenital, 11, associated with acetylcholine receptor deficiency. Identifiers: Orphanet 590, MedGen C4225367, MONDO:0014588, OMIM 616326.
Fetal akinesia deformation sequence 1 (FADS1). Also called: Fetal akinesia sequence; Pena-Shokeir syndrome type I. Identifiers: Orphanet 994, MedGen C1276035, MONDO:0100101, OMIM 208150, HP:0001989.

Allele frequency attached by ClinVar (database versions not stated): ExAC 0.00002; TOPMed 0.00002.

Submissions (4):

Ambry Genetics
Classification: Uncertain significance for Inborn genetic diseases. Last evaluated: 2024-02-28. Review status: criteria provided, single submitter. Criteria: Ambry Variant Classification Scheme 2023. Collection method: clinical testing. Allele origin: germline.

Labcorp Genetics (formerly Invitae), Labcorp
Classification: Uncertain significance for Congenital myasthenic syndrome 11; Fetal akinesia deformation sequence 1. Last evaluated: 2021-08-31. Review status: criteria provided, single submitter. Criteria: Invitae Variant Classification Sherloc (09022015). Collection method: clinical testing. Allele origin: germline.
Comment: This sequence change replaces alanine with valine at codon 301 of the RAPSN protein (p.Ala301Val). The alanine residue is weakly conserved and there is a small physicochemical difference between alanine and valine. This variant is present in population databases (rs778113748, ExAC 0.01%). This variant has not been reported in the literature in individuals affected with RAPSN-related conditions. Algorithms developed to predict the effect of missense changes on protein structure and function output the following: SIFT: "Tolerated"; PolyPhen-2: "Benign"; Align-GVGD: "Class C0". The valine amino acid residue is found in multiple mammalian species, which suggests that this missense change does not adversely affect protein function. Algorithms developed to predict the effect of sequence changes on RNA splicing suggest that this variant may create or strengthen a splice site. In summary, the available evidence is currently insufficient to determine the role of this variant in disease. Therefore, it has been classified as a Variant of Uncertain Significance.

Revvity Omics, Revvity
Classification: Uncertain significance. Last evaluated: 2019-05-14. Review status: criteria provided, single submitter. Criteria: ACMG Guidelines, 2015. Collection method: clinical testing. Allele origin: germline.

PreventionGenetics, part of Exact Sciences
Classification: Uncertain significance for RAPSN-related condition. Last evaluated: 2024-03-09. Review status: no assertion criteria provided. Collection method: clinical testing. Allele origin: germline. Not counted in ClinVar's aggregate classification.
Comment: The RAPSN c.902C>T variant is predicted to result in the amino acid substitution p.Ala301Val. To our knowledge, this variant has not been reported in the literature. This variant is reported in 0.015% of alleles in individuals of Latino descent in gnomAD. At this time, the clinical significance of this variant is uncertain due to the absence of conclusive functional and genetic evidence.